The following is an entry in ClinVar:

NM_002528.7(NTHL1):c.226del (p.Val76fs)

Gene: NTHL1 (nth like DNA glycosylase 1; minus strand). Cytogenetic location: 16p13.3.
Variant type: Deletion.
Coding change: c.226del on transcript NM_002528.7 (MANE Select); coding-DNA position 226, one base deleted (G; older notation c.226delG).
Protein change: p.Val76fs; shifts the reading frame from valine 76.
Molecular consequence: frameshift variant. On other transcripts: intron variant (1).
Genome position (GRCh38, 1-based): chr16:2,046,256, C deleted on the plus strand (G on the coding strand, the reverse complement: NTHL1 is on the minus strand); the first of 2 consecutive C bases (chr16:2,046,256-2,046,257); deleting either gives the same sequence. VCF-style (leftmost placement, unchanged base first): chr16-2046255-AC-A. GRCh37 (hg19) VCF-style: chr16-2096256-AC-A.
Other names: c.226del, p.Val76fs (NM_001318193.2); c.24+24del (NM_001318194.2); c.250delG (NM_002528.5); short protein forms V76fs.
Identifiers: ClinVar variation 2025416 (VCV002025416.7), dbSNP rs2548320418, ClinGen allele CA2580090648.

ClinVar aggregate classification (germline): Pathogenic. Review status: criteria provided, multiple submitters, no conflicts (2 of 4 stars). 3 submissions from 3 submitters: Pathogenic (3). Last evaluated 2023-09-01.

Conditions:
Hereditary cancer-predisposing syndrome. Also called: Neoplastic Syndromes, Hereditary; Tumor predisposition; Hereditary Cancer Syndrome; Hereditary neoplastic syndrome. Identifiers: Orphanet 140162, MedGen C0027672, MeSH D009386, MONDO:0015356.
Familial adenomatous polyposis 3. Also called: NTHL1-Related Adenomatous Polyposis and Colorectal Cancer; NTHL1-related attenuated familial adenomatous polyposis; NTHL1 Tumor Syndrome; NTHL1-associated polyposis. Identifiers: Orphanet 220460, Orphanet 454840, MedGen C4225157, MONDO:0014630, OMIM 616415.

Submissions (3):

Myriad Genetics, Inc.
Classification: Pathogenic for Familial adenomatous polyposis 3. Last evaluated: 2023-09-01. Review status: criteria provided, single submitter. Criteria: Myriad Autosomal Dominant, Autosomal Recessive and X-Linked Classification Criteria (2023). Collection method: clinical testing. Allele origin: unknown.
Comment: This variant is considered pathogenic. This variant creates a frameshift predicted to result in premature protein truncation.

Ambry Genetics
Classification: Pathogenic for Hereditary cancer-predisposing syndrome. Last evaluated: 2023-03-02. Review status: criteria provided, single submitter. Criteria: Ambry Variant Classification Scheme 2023. Collection method: clinical testing. Allele origin: germline.
Comment: The c.250delG pathogenic mutation, located in coding exon 2 of the NTHL1 gene, results from a deletion of one nucleotide at nucleotide position 250, causing a translational frameshift with a predicted alternate stop codon (p.V84Cfs*19). This alteration is expected to result in loss of function by premature protein truncation or nonsense-mediated mRNA decay. As such, this alteration is interpreted as a disease-causing mutation.

Labcorp Genetics (formerly Invitae), Labcorp
Classification: Pathogenic. Last evaluated: 2022-08-20. Review status: criteria provided, single submitter. Criteria: Invitae Variant Classification Sherloc (09022015). Collection method: clinical testing. Allele origin: germline.
Comment: For these reasons, this variant has been classified as Pathogenic. Algorithms developed to predict the effect of sequence changes on RNA splicing suggest that this variant may create or strengthen a splice site. This variant has not been reported in the literature in individuals affected with NTHL1-related conditions. This variant is not present in population databases (gnomAD no frequency). This sequence change creates a premature translational stop signal (p.Val84Cysfs*19) in the NTHL1 gene. It is expected to result in an absent or disrupted protein product. Loss-of-function variants in NTHL1 are known to be pathogenic (PMID: 25938944, 26559593).

Literature cited by the submitters: PubMed 25938944 (cited by Labcorp Genetics (formerly Invitae), Labcorp); PubMed 26559593 (cited by Labcorp Genetics (formerly Invitae), Labcorp).